The following is an entry in ClinVar:

ClinVar aggregate classification (germline): Uncertain significance. Review status: criteria provided, multiple submitters, no conflicts (2 of 4 stars). 2 submissions from 2 submitters: Uncertain significance (2). Last evaluated 2025-02-13.

Conditions:
Inborn genetic diseases. Identifiers: MedGen C0950123, MeSH D030342.

gnomAD v4.1: 6 of 1,211,236 alleles (0.0005%); highest among the groups gnomAD compares: South Asian, 0.0035%; no homozygotes.

Submissions (2):

Labcorp Genetics (formerly Invitae), Labcorp
Classification: Uncertain significance. Last evaluated: 2025-02-13. Review status: criteria provided, single submitter. Criteria: Invitae Variant Classification Sherloc (09022015). Collection method: clinical testing. Allele origin: germline.
Comment: This sequence change replaces arginine, which is basic and polar, with histidine, which is basic and polar, at codon 393 of the MSN protein (p.Arg393His). This variant is not present in population databases (gnomAD no frequency). This variant has not been reported in the literature in individuals affected with MSN-related conditions. ClinVar contains an entry for this variant (Variation ID: 3296452). An algorithm developed to predict the effect of missense changes on protein structure and function (PolyPhen-2) suggests that this variant is likely to be tolerated. In summary, the available evidence is currently insufficient to determine the role of this variant in disease. Therefore, it has been classified as a Variant of Uncertain Significance.

Ambry Genetics
Classification: Uncertain significance for Inborn genetic diseases. Last evaluated: 2024-05-20. Review status: criteria provided, single submitter. Criteria: Ambry Variant Classification Scheme 2023. Collection method: clinical testing. Allele origin: germline.

NM_002444.3(MSN):c.1178G>A (p.Arg393His)

Gene: MSN (moesin; plus strand). Cytogenetic location: Xq12.
Variant type: single nucleotide variant.
Coding change: c.1178G>A on transcript NM_002444.3 (MANE Select); coding-DNA position 1178, G replaced by A.
Protein change: p.Arg393His; replaces arginine 393 with histidine.
Molecular consequence: missense variant.
Genome position (GRCh38, 1-based): chrX:65,737,265, G>A. VCF-style: chrX-65737265-G-A. GRCh37 (hg19) VCF-style: chrX-64957127-G-A.
Other names: short protein forms R393H.
Identifiers: ClinVar variation 3296452 (VCV003296452.2).